The following is an entry in ClinVar:

NM_004281.4(BAG3):c.750C>G (p.Ile250Met)

Gene: BAG3 (BAG cochaperone 3; plus strand). Cytogenetic location: 10q26.11.
Variant type: single nucleotide variant.
Coding change: c.750C>G on transcript NM_004281.4 (MANE Select); coding-DNA position 750, C replaced by G.
Protein change: p.Ile250Met; replaces isoleucine 250 with methionine.
Molecular consequence: missense variant.
Genome position (GRCh38, 1-based): chr10:119,672,497, C>G. VCF-style: chr10-119672497-C-G. GRCh37 (hg19) VCF-style: chr10-121432009-C-G.
Other names: short protein forms I250M.
Identifiers: ClinVar variation 2933735 (VCV002933735.3), dbSNP rs2494014210, ClinGen allele CA378295726.

ClinVar aggregate classification (germline): Uncertain significance (1 of 4 stars; one submission).

Conditions:
Myofibrillar myopathy 6. Identifiers: Orphanet 199340, MedGen C2751831, MONDO:0013061, OMIM 612954.
Dilated cardiomyopathy 1HH (CMD1HH). Identifiers: Orphanet 154, MedGen C3151293, MONDO:0013479, OMIM 613881.

Submission:

Labcorp Genetics (formerly Invitae), Labcorp
Classification: Uncertain significance for Dilated cardiomyopathy 1HH; Myofibrillar myopathy 6. Last evaluated: 2023-11-17. Review status: criteria provided, single submitter. Criteria: Invitae Variant Classification Sherloc (09022015). Collection method: clinical testing. Allele origin: germline.
Comment: This sequence change replaces isoleucine, which is neutral and non-polar, with methionine, which is neutral and non-polar, at codon 250 of the BAG3 protein (p.Ile250Met). This variant is not present in population databases (gnomAD no frequency). This variant has not been reported in the literature in individuals affected with BAG3-related conditions. Advanced modeling of protein sequence and biophysical properties (such as structural, functional, and spatial information, amino acid conservation, physicochemical variation, residue mobility, and thermodynamic stability) performed at Invitae indicates that this missense variant is not expected to disrupt BAG3 protein function with a negative predictive value of 80%. In summary, the available evidence is currently insufficient to determine the role of this variant in disease. Therefore, it has been classified as a Variant of Uncertain Significance.